The following is an entry in ClinVar:

ClinVar aggregate classification (germline): Likely pathogenic (1 of 4 stars; one submission).

Conditions:
Fabry disease. Also called: Fabry's disease; ALPHA-GALACTOSIDASE A DEFICIENCY; ANDERSON-FABRY DISEASE; CERAMIDE TRIHEXOSIDASE DEFICIENCY; GLA DEFICIENCY; HEREDITARY DYSTOPIC LIPIDOSIS. Identifiers: Orphanet 324, MedGen C0002986, MONDO:0010526, OMIM 301500, HP:0001071. Disease mechanism: Fabry disease is due to inactivating mutations in the X-linked GLA gene resulting in deficiency of the enzyme Alpha Galactosidase-A., loss of function.

Submission:

Genomenon, Inc
Classification: Likely pathogenic for Fabry disease. Last evaluated: 2026-09-08. Review status: criteria provided, single submitter. Criteria: Genomenon Sequence Variant Interpretation Standards - Updated. Collection method: curation. Allele origin: germline. Affected: no.
Comment: GLA p.Cys56Trp (c.168C>G) is a missense variant that changes the amino acid at codon 56 from Cysteine to Tryptophan. To our knowledge, this variant has not been reported in patients affected with Fabry disease in the published literature. At least one functional study has demonstrated a substantial alteration in protein function relative to the wild-type (PMID:31613176). This variant is located in a mutational hotspot and/or important functional domain. It is absent or not present at a significant frequency in gnomAD. In silico models predict that this variant is possibly or probably damaging. In conclusion, we classify GLA p.Cys56Trp (c.168C>G) as a likely pathogenic variant.

Literature cited by the submitters: PubMed 31613176.

NM_000169.3(GLA):c.168C>G (p.Cys56Trp)

Genes: GLA (galactosidase alpha; minus strand), RPL36A-HNRNPH2 (RPL36A-HNRNPH2 readthrough; plus strand). Cytogenetic location: Xq22.1.
Variant type: single nucleotide variant.
Coding change: c.168C>G on transcript NM_000169.3 (MANE Select); coding-DNA position 168, C replaced by G.
Protein change: p.Cys56Trp; replaces cysteine 56 with tryptophan.
Molecular consequence: missense variant. On other transcripts: non-coding transcript variant (3), intron variant (2).
Genome position (GRCh38, 1-based): chrX:101,407,736, G>C on the plus strand (C>G on the coding strand, the complement: GLA is on the minus strand). VCF-style: chrX-101407736-G-C. GRCh37 (hg19) VCF-style: chrX-100662724-G-C.
Other names: c.168C>G, p.Cys56Trp (NM_001406747.1, NM_001406748.1, NM_001406749.1); c.301-4200G>C (NM_001199973.2); c.178-4200G>C (NM_001199974.2); short protein forms C56W.
Identifiers: ClinVar variation 4974863 (VCV004974863.1).